The following is an entry in ClinVar:

ClinVar aggregate classification (germline): Uncertain significance. Review status: criteria provided, multiple submitters, no conflicts (2 of 4 stars). 2 submissions from 2 submitters: Uncertain significance (2). Last evaluated 2024-12-29.

Conditions:
Cardiovascular phenotype. Identifiers: MedGen CN230736.
RASopathy. Also called: rasopathies; Noonan spectrum disorder. Identifiers: Orphanet 536391, MedGen C5555857, MONDO:0021060.

Submissions (2):

Ambry Genetics
Classification: Uncertain significance for Cardiovascular phenotype. Last evaluated: 2024-12-29. Review status: criteria provided, single submitter. Criteria: Ambry Variant Classification Scheme 2023. Collection method: clinical testing. Allele origin: germline.
Comment: The p.Q207K variant (also known as c.619C>A), located in coding exon 4 of the CBL gene, results from a C to A substitution at nucleotide position 619. The glutamine at codon 207 is replaced by lysine, an amino acid with similar properties. This amino acid position is conserved. In addition, the in silico prediction for this alteration is inconclusive. Based on the available evidence, the clinical significance of this variant remains unclear.

Labcorp Genetics (formerly Invitae), Labcorp
Classification: Uncertain significance for RASopathy. Last evaluated: 2023-04-28. Review status: criteria provided, single submitter. Criteria: Invitae Variant Classification Sherloc (09022015). Collection method: clinical testing. Allele origin: germline.
Comment: In summary, the available evidence is currently insufficient to determine the role of this variant in disease. Therefore, it has been classified as a Variant of Uncertain Significance. Advanced modeling of protein sequence and biophysical properties (such as structural, functional, and spatial information, amino acid conservation, physicochemical variation, residue mobility, and thermodynamic stability) has been performed at Invitae for this missense variant, however the output from this modeling did not meet the statistical confidence thresholds required to predict the impact of this variant on CBL protein function. This variant has not been reported in the literature in individuals affected with CBL-related conditions. This variant is not present in population databases (gnomAD no frequency). This sequence change replaces glutamine, which is neutral and polar, with lysine, which is basic and polar, at codon 207 of the CBL protein (p.Gln207Lys).

NM_005188.4(CBL):c.619C>A (p.Gln207Lys)

Gene: CBL (Cbl proto-oncogene; plus strand). Cytogenetic location: 11q23.3.
Variant type: single nucleotide variant.
Coding change: c.619C>A on transcript NM_005188.4 (MANE Select); coding-DNA position 619, C replaced by A.
Protein change: p.Gln207Lys; replaces glutamine 207 with lysine.
Molecular consequence: missense variant.
Genome position (GRCh38, 1-based): chr11:119,273,896, C>A. VCF-style: chr11-119273896-C-A. GRCh37 (hg19) VCF-style: chr11-119144606-C-A.
Other names: c.619C>A (NM_005188.2); short protein forms Q207K.
Identifiers: ClinVar variation 2779853 (VCV002779853.4), dbSNP rs2135298757, ClinGen allele CA382908978.